The following is an entry in ClinVar:

NM_203288.2(RP9):c.403G>A (p.Val135Met)

Gene: RP9 (RP9 pre-mRNA splicing factor; minus strand). Cytogenetic location: 7p14.3.
Variant type: single nucleotide variant.
Coding change: c.403G>A on transcript NM_203288.2 (MANE Select); coding-DNA position 403, G replaced by A.
Protein change: p.Val135Met; replaces valine 135 with methionine.
Molecular consequence: missense variant.
Genome position (GRCh38, 1-based): chr7:33,097,273, C>T on the plus strand (G>A on the coding strand, the complement: RP9 is on the minus strand). VCF-style: chr7-33097273-C-T. GRCh37 (hg19) VCF-style: chr7-33136885-C-T.
Other names: c.403G>A (NM_203288.1); short protein forms V135M.
Identifiers: ClinVar variation 1907429 (VCV001907429.7), dbSNP rs1414359710, ClinGen allele CA367181828.

ClinVar aggregate classification (germline): Uncertain significance. Review status: criteria provided, multiple submitters, no conflicts (2 of 4 stars). 3 submissions from 3 submitters: Uncertain significance (3). Last evaluated 2025-08-10.

Allele frequency attached by ClinVar (database versions not stated): TOPMed below 0.00001; gnomAD 0.00001; gnomAD exomes 0.00004.
gnomAD v4.1: 62 of 1,609,012 alleles (0.0039%); highest among the groups gnomAD compares: Non-Finnish European, 0.0051%; no homozygotes.

Submissions (3):

Ambry Genetics
Classification: Uncertain significance. Last evaluated: 2025-08-10. Review status: criteria provided, single submitter. Criteria: Ambry Variant Classification Scheme 2023. Collection method: clinical testing. Allele origin: germline.

GeneDx
Classification: Uncertain significance. Last evaluated: 2025-06-24. Review status: criteria provided, single submitter. Criteria: GeneDx Variant Classification Process June 2021. Collection method: clinical testing. Allele origin: germline. Affected: yes.
Comment: Not observed at significant frequency in large population cohorts (gnomAD); In silico analysis suggests that this missense variant does not alter protein structure/function; Has not been previously published as pathogenic or benign to our knowledge

Labcorp Genetics (formerly Invitae), Labcorp
Classification: Uncertain significance. Last evaluated: 2023-12-11. Review status: criteria provided, single submitter. Criteria: Invitae Variant Classification Sherloc (09022015). Collection method: clinical testing. Allele origin: germline.
Comment: This sequence change replaces valine, which is neutral and non-polar, with methionine, which is neutral and non-polar, at codon 135 of the RP9 protein (p.Val135Met). This variant is present in population databases (no rsID available, gnomAD 0.0009%). This variant has not been reported in the literature in individuals affected with RP9-related conditions. ClinVar contains an entry for this variant (Variation ID: 1907429). An algorithm developed to predict the effect of missense changes on protein structure and function (PolyPhen-2) suggests that this variant is likely to be tolerated. In summary, the available evidence is currently insufficient to determine the role of this variant in disease. Therefore, it has been classified as a Variant of Uncertain Significance.